The following is an entry in ClinVar:

NM_152703.5(SAMD9L):c.4288G>T (p.Ala1430Ser)

Gene: SAMD9L (sterile alpha motif domain containing 9 like; minus strand). Cytogenetic location: 7q21.2.
Variant type: single nucleotide variant.
Coding change: c.4288G>T on transcript NM_152703.5 (MANE Select); coding-DNA position 4288, G replaced by T.
Protein change: p.Ala1430Ser; replaces alanine 1430 with serine.
Molecular consequence: missense variant.
Genome position (GRCh38, 1-based): chr7:93,131,684, C>A on the plus strand (G>T on the coding strand, the complement: SAMD9L is on the minus strand). VCF-style: chr7-93131684-C-A. GRCh37 (hg19) VCF-style: chr7-92760997-C-A.
Other names: c.4288G>T, p.Ala1430Ser (NM_001303496.3, NM_001303497.3, NM_001303498.3 and 5 more transcripts); short protein forms A1430S.
Identifiers: ClinVar variation 4864010 (VCV004864010.1).

ClinVar aggregate classification (germline): Uncertain significance (1 of 4 stars; one submission).

Conditions:
Inborn genetic diseases. Identifiers: MedGen C0950123, MeSH D030342.

Submission:

Ambry Genetics
Classification: Uncertain significance for Inborn genetic diseases. Last evaluated: 2026-05-24. Review status: criteria provided, single submitter. Criteria: Ambry Variant Classification Scheme 2023. Collection method: clinical testing. Allele origin: germline.
Comment: The p.A1430S variant (also known as c.4288G>T), located in coding exon 1 of the SAMD9L gene, results from a G to T substitution at nucleotide position 4288. The alanine at codon 1430 is replaced by serine, an amino acid with similar properties. This amino acid position is conserved. In addition, this alteration is predicted to be tolerated by in silico analysis. Based on the available evidence, the clinical significance of this variant remains unclear.